The following is an entry in ClinVar:

ClinVar aggregate classification (germline): Likely pathogenic. Review status: criteria provided, multiple submitters, no conflicts (2 of 4 stars). 2 submissions from 2 submitters: Likely pathogenic (2). Last evaluated 2024-05-31.

Conditions:
POLE-related disorder. Also called: POLE-related disorders; POLE-related condition.

Submissions (2):

Labcorp Genetics (formerly Invitae), Labcorp
Classification: Likely pathogenic. Last evaluated: 2024-05-31. Review status: criteria provided, single submitter. Criteria: Invitae Variant Classification Sherloc (09022015). Collection method: clinical testing. Allele origin: germline.
Comment: This sequence change affects an acceptor splice site in intron 26 of the POLE gene. It is expected to disrupt RNA splicing. Variants that disrupt the donor or acceptor splice site typically lead to a loss of protein function (PMID: 16199547), and loss-of-function variants in POLE are known to be pathogenic (PMID: 23230001, 25948378, 30503519). This variant is not present in population databases (gnomAD no frequency). This variant has not been reported in the literature in individuals affected with POLE-related conditions. ClinVar contains an entry for this variant (Variation ID: 2636782). Algorithms developed to predict the effect of sequence changes on RNA splicing suggest that this variant may disrupt the consensus splice site. In summary, the currently available evidence indicates that the variant is pathogenic, but additional data are needed to prove that conclusively. Therefore, this variant has been classified as Likely Pathogenic.

PreventionGenetics, part of Exact Sciences
Classification: Likely pathogenic for POLE-related condition. Last evaluated: 2023-03-13. Review status: criteria provided, single submitter. Criteria: ACMG Guidelines, 2015. Collection method: clinical testing. Allele origin: germline.
Comment: The POLE c.3276-1G>C variant is predicted to disrupt the AG splice acceptor site and interfere with normal splicing. To our knowledge, this variant has not been reported in the literature or in a large population database, indicating this variant is rare. Pathogenic variants in POLE leading to loss of POLE protein function have been reported in individuals with autosomal recessive intrauterine growth retardation, metaphyseal dysplasia, adrenal hypoplasia congenita, genital anomalies, and immunodeficiency (IMAGe-I) syndrome (Pachlopnik Schmid et al. 2012. PubMed ID: 23230001; Thiffault et al. 2015. PubMed ID: 25948378; Long et al. 2018. PubMed ID: 30503519; Nakano et al. 2022. PubMed ID: 35534205). This variant is interpreted as likely pathogenic for autosomal recessive IMAGe-I syndrome and as a variant of uncertain significance for autosomal dominant POLE-associated disorders.

Literature cited by the submitters: PubMed 16199547 (cited by Labcorp Genetics (formerly Invitae), Labcorp); PubMed 23230001 (cited by Labcorp Genetics (formerly Invitae), Labcorp); PubMed 25948378 (cited by Labcorp Genetics (formerly Invitae), Labcorp); PubMed 30503519 (cited by Labcorp Genetics (formerly Invitae), Labcorp).

NM_006231.4(POLE):c.3276-1G>C

Gene: POLE (DNA polymerase epsilon, catalytic subunit; minus strand). Cytogenetic location: 12q24.33.
Variant type: single nucleotide variant.
Coding change: c.3276-1G>C on transcript NM_006231.4 (MANE Select); the canonical splice acceptor site of the intron before coding-DNA position 3276, G replaced by C.
Molecular consequence: splice acceptor variant.
Genome position (GRCh38, 1-based): chr12:132,657,971, C>G on the plus strand (G>C on the coding strand, the complement: POLE is on the minus strand). VCF-style: chr12-132657971-C-G. GRCh37 (hg19) VCF-style: chr12-133234557-C-G.
Identifiers: ClinVar variation 2636782 (VCV002636782.3), dbSNP rs2542009211, ClinGen allele CA387389923.